The following is an entry in ClinVar:

ClinVar aggregate classification (germline): Pathogenic. Review status: criteria provided, multiple submitters, no conflicts (2 of 4 stars). 2 submissions from 2 submitters: Pathogenic (2). Last evaluated 2023-06-15.

Conditions:
NFIX-related disorder. Also called: NFIX-related condition.
Marshall-Smith syndrome (MRSHSS). Identifiers: Orphanet 561, MedGen C0265211, MONDO:0011244, OMIM 602535.
Malan overgrowth syndrome (MALNS). Also called: Sotos syndrome 2; MALAN SYNDROME; NFIX-Related Malan Syndrome. Identifiers: Orphanet 420179, MedGen C3553660, MONDO:0013885, OMIM 614753.

Submissions (2):

Labcorp Genetics (formerly Invitae), Labcorp
Classification: Pathogenic for Malan overgrowth syndrome; Marshall-Smith syndrome. Last evaluated: 2023-06-15. Review status: criteria provided, single submitter. Criteria: Invitae Variant Classification Sherloc (09022015). Collection method: clinical testing. Allele origin: germline.
Comment: For these reasons, this variant has been classified as Pathogenic. This variant has not been reported in the literature in individuals affected with NFIX-related conditions. This variant is not present in population databases (gnomAD no frequency). This sequence change creates a premature translational stop signal (p.Ile180Lysfs*38) in the NFIX gene. It is expected to result in an absent or disrupted protein product. Loss-of-function variants in NFIX are known to be pathogenic (PMID: 20673863, 20949508, 24924640, 25118028).

Blueprint Genetics
Classification: Pathogenic for NFIX-related disorders. Last evaluated: 2022-08-02. Review status: criteria provided, single submitter. Criteria: ACMG Guidelines, 2015. Collection method: clinical testing. Allele origin: germline. Affected: yes. Observed: 2 variant alleles.

Literature cited by the submitters: PubMed 20673863 (cited by Labcorp Genetics (formerly Invitae), Labcorp); PubMed 20949508 (cited by Labcorp Genetics (formerly Invitae), Labcorp); PubMed 24924640 (cited by Labcorp Genetics (formerly Invitae), Labcorp); PubMed 25118028 (cited by Labcorp Genetics (formerly Invitae), Labcorp).

NM_001365902.3(NFIX):c.515_518del (p.Ile172fs)

Gene: NFIX (nuclear factor I X; plus strand). Cytogenetic location: 19p13.13.
Variant type: Deletion.
Coding change: c.515_518del on transcript NM_001365902.3 (MANE Select); coding-DNA positions 515 to 518, 4 bases deleted (TCAA; older notation c.515_518delTCAA).
Protein change: p.Ile172fs; shifts the reading frame from isoleucine 172.
Molecular consequence: frameshift variant.
Genome position (GRCh38, 1-based): chr19:13,025,508-13,025,511, TCAA deleted; deleting any 4 consecutive bases within chr19:13,025,505-13,025,511 gives the same sequence; the c. name uses the placement nearest the transcript's 3' end. VCF-style (leftmost placement, unchanged base first): chr19-13025504-ACAAT-A. GRCh37 (hg19) VCF-style: chr19-13136318-ACAAT-A.
Other names: c.539_542del, p.Ile180fs (NM_001271043.2); c.491_494del, p.Ile164fs (NM_001271044.3, NM_001378404.1); c.515_518del, p.Ile172fs (NM_001365982.2, NM_002501.4); c.374_377del, p.Ile125fs (NM_001365983.2); c.512_515del, p.Ile171fs (NM_001365984.2, NM_001365985.2); c.563_566del, p.Ile188fs (NM_001378405.1); short protein forms I172fs, I188fs, I125fs, I171fs, I180fs, I164fs.
Identifiers: ClinVar variation 2948877 (VCV002948877.4), dbSNP rs2512747409, ClinGen allele CA2740091912.